The following is an entry in ClinVar:

NM_000535.7(PMS2):c.534G>T (p.Lys178Asn)

Gene: PMS2 (PMS1 homolog 2, mismatch repair system component; minus strand). Cytogenetic location: 7p22.1.
Variant type: single nucleotide variant.
Coding change: c.534G>T on transcript NM_000535.7 (MANE Select); coding-DNA position 534, G replaced by T.
Protein change: p.Lys178Asn; replaces lysine 178 with asparagine.
Molecular consequence: missense variant. On other transcripts: 5 prime UTR variant (2), non-coding transcript variant (1).
Genome position (GRCh38, 1-based): chr7:6,002,456, C>A on the plus strand (G>T on the coding strand, the complement: PMS2 is on the minus strand). VCF-style: chr7-6002456-C-A. GRCh37 (hg19) VCF-style: chr7-6042087-C-A.
Other names: c.129G>T, p.Lys43Asn (NM_001322003.2, NM_001322004.2, NM_001322005.2 and 3 more transcripts); c.534G>T, p.Lys178Asn (NM_001322006.2, NM_001322014.2); c.216G>T, p.Lys72Asn (NM_001322007.2, NM_001322008.2); c.-351G>T (NM_001322011.2, NM_001322012.2); c.225G>T, p.Lys75Asn (NM_001322015.2); short protein forms K178N, K43N, K72N, K75N.
Identifiers: ClinVar variation 1481909 (VCV001481909.8), dbSNP rs1288953417, ClinGen allele CA366744155.

ClinVar aggregate classification (germline): Uncertain significance (1 of 4 stars; one submission).

Conditions:
Hereditary nonpolyposis colorectal neoplasms. Identifiers: MedGen C0009405, MeSH D003123.

Submission:

Labcorp Genetics (formerly Invitae), Labcorp
Classification: Uncertain significance for Hereditary nonpolyposis colorectal neoplasms. Last evaluated: 2023-07-17. Review status: criteria provided, single submitter. Criteria: Invitae Variant Classification Sherloc (09022015). Collection method: clinical testing. Allele origin: germline.
Comment: Advanced modeling of protein sequence and biophysical properties (such as structural, functional, and spatial information, amino acid conservation, physicochemical variation, residue mobility, and thermodynamic stability) performed at Invitae indicates that this missense variant is expected to disrupt PMS2 protein function. This sequence change replaces lysine, which is basic and polar, with asparagine, which is neutral and polar, at codon 178 of the PMS2 protein (p.Lys178Asn). This variant is not present in population databases (gnomAD no frequency). This variant has not been reported in the literature in individuals affected with PMS2-related conditions. ClinVar contains an entry for this variant (Variation ID: 1481909). In summary, the available evidence is currently insufficient to determine the role of this variant in disease. Therefore, it has been classified as a Variant of Uncertain Significance.